The following is an entry in ClinVar:

NM_001844.5(COL2A1):c.3597+6T>C

Gene: COL2A1 (collagen type II alpha 1 chain; minus strand). Cytogenetic location: 12q13.11.
Variant type: single nucleotide variant.
Coding change: c.3597+6T>C on transcript NM_001844.5 (MANE Select); 6 bases into the intron after coding-DNA position 3597, T replaced by C.
Molecular consequence: intron variant.
Genome position (GRCh38, 1-based): chr12:47,975,957, A>G on the plus strand (T>C on the coding strand, the complement: COL2A1 is on the minus strand). VCF-style: chr12-47975957-A-G. GRCh37 (hg19) VCF-style: chr12-48369740-A-G.
Other names: NC_000012.11:g.48369740A>G; c.3390+6T>C (NM_033150.3).
Identifiers: ClinVar variation 1310142 (VCV001310142.3), dbSNP rs2136514015, ClinGen allele CA2573053661.

ClinVar aggregate classification (germline): Uncertain significance (1 of 4 stars; one submission).

Submissions (2):

GeneDx
Classification: Uncertain significance. Last evaluated: 2019-11-13. Review status: criteria provided, single submitter. Criteria: GeneDx Variant Classification Process June 2021. Collection method: clinical testing. Allele origin: germline. Affected: yes.
Comment: Not observed in large population cohorts (Lek et al., 2016); In-silico analysis, which includes splice predictors and evolutionary conservation, is inconclusive as to whether the variant alters gene splicing. In the absence of RNA/functional studies, the actual effect of this sequence change is unknown.; Has not been previously published as pathogenic or benign to our knowledge

Dr. Peter K. Rogan Lab, Western University
No classification provided (evidence only). Condition: Ovarian serous cystadenocarcinoma. Review status: no classification provided. Collection method: in vitro. Allele origin: not applicable. Functional consequence: retained intron. Not counted in ClinVar's aggregate classification.